The following is an entry in ClinVar:

NM_000094.4(COL7A1):c.2441-6G>A

Gene: COL7A1 (collagen type VII alpha 1 chain; minus strand). Cytogenetic location: 3p21.31.
Variant type: single nucleotide variant.
Coding change: c.2441-6G>A on transcript NM_000094.4 (MANE Select); 6 bases into the intron before coding-DNA position 2441, G replaced by A.
Molecular consequence: intron variant.
Genome position (GRCh38, 1-based): chr3:48,588,794, C>T on the plus strand (G>A on the coding strand, the complement: COL7A1 is on the minus strand). VCF-style: chr3-48588794-C-T. GRCh37 (hg19) VCF-style: chr3-48626227-C-T.
Other names: c.2441-6G>A (NM_000094.3).
Identifiers: ClinVar variation 2585546 (VCV002585546.5), dbSNP rs2531261501, ClinGen allele CA2582342854.

ClinVar aggregate classification (germline): Uncertain significance. Review status: criteria provided, multiple submitters, no conflicts (2 of 4 stars). 5 submissions from 4 submitters: Uncertain significance (4). 1 of the submissions does not count toward it. Last evaluated 2025-09-04.

Conditions:
Epidermolysis bullosa pruriginosa. Also called: DEB, PRURIGINOSA; DYSTROPHIC EPIDERMOLYSIS BULLOSA PRURIGINOSA. Identifiers: Orphanet 89843, MedGen C1275114, MONDO:0011398, OMIM 604129.
Recessive dystrophic epidermolysis bullosa (RDEB). Also called: EPIDERMOLYSIS BULLOSA DYSTROPHICA, GENERALIZED SEVERE, AUTOSOMAL RECESSIVE; epidermolysis bullosa dystrophica, autosomal recessive; Hallopeau-Siemens Disease; DYSTROPHIC EPIDERMOLYSIS BULLOSA, AUTOSOMAL RECESSIVE; Epidermolysis Bullosa Distrophica Autosomal Recessive (RDEB); EPIDERMOLYSIS BULLOSA DYSTROPHICA, HALLOPEAU-SIEMENS TYPE. Identifiers: Orphanet 79408, Orphanet 79409, MedGen C0079474, MONDO:0009179, OMIM 226600.
Epidermolysis bullosa dystrophica. Also called: Dystrophic epidermolysis bullosa, Hallopeau-Siemens type (formerly); Dystrophic epidermolysis bullosa. Identifiers: Orphanet 303, MedGen C0079294, MONDO:0006543.

Allele frequency attached by ClinVar (database versions not stated): gnomAD exomes below 0.00001.
gnomAD v4.1: 1 of 1,613,774 alleles (0.000062%); highest among the groups gnomAD compares: South Asian, 0.0011%; no homozygotes.

Submissions (5):

Women's Health and Genetics/Laboratory Corporation of America, LabCorp
Classification: Uncertain significance. Last evaluated: 2025-09-04. Review status: criteria provided, single submitter. Criteria: LabCorp Variant Classification Summary - May 2015. Collection method: clinical testing. Allele origin: germline.
Comment: Variant summary: COL7A1 c.2441-6G>A alters a nucleotide located at a position not widely known to affect splicing. Several computational tools predict a significant impact on normal splicing: Two predict the variant abolishes a 3' acceptor site. One predict the variant weakens a 3' acceptor site. Three predict the variant creates a 3' acceptor site. However, these predictions have yet to be confirmed by functional studies. The variant was absent in 251266 control chromosomes. The available data on variant occurrences in the general population are insufficient to allow any conclusion about variant significance. c.2441-6G>A has been observed in individual(s) affected with Dystrophic Epidermolysis Bullosa. These report(s) do not provide unequivocal conclusions about association of the variant with Dystrophic Epidermolysis Bullosa, Recessive. To our knowledge, no experimental evidence demonstrating an impact on protein function has been reported. The following publication have been ascertained in the context of this evaluation (PMID: 37556444). ClinVar contains an entry for this variant (Variation ID: 2585546). Based on the evidence outlined above, the variant was classified as uncertain significance.

Blueprint Genetics
Classification: Uncertain significance. Last evaluated: 2024-05-16. Review status: criteria provided, single submitter. Criteria: ACMG Guidelines, 2015. Collection method: clinical testing. Allele origin: germline.

Neuberg Centre For Genomic Medicine, NCGM
Classification: Uncertain significance for Epidermolysis bullosa pruriginosa. Last evaluated: 2023-06-22. Review status: criteria provided, single submitter. Criteria: ACMG Guidelines, 2015. Collection method: clinical testing. Allele origin: germline. Inheritance: Autosomal recessive inheritance. Affected: yes.
Comment: The observed splice region variant c.2441-6G>A in the COL7A1 gene has not been reported previously as a pathogenic variant nor as a benign variant, to our knowledge. This variant is absent in the gnomAD Exomes. This variant has been reported to the ClinVar database as Uncertain Significance. However, no details are available for independent assessment. This splice region variant in intron 19 affects the position six nucleotides upstream of exon 20. The variant is predicted to be damaging by SpliceAI prediction tool. For these reasons, this variant has been classified as Uncertain Significance (VUS).

Neuberg Centre For Genomic Medicine, NCGM
Classification: Uncertain significance for Recessive dystrophic epidermolysis bullosa. Review status: criteria provided, single submitter. Criteria: ACMG Guidelines, 2015. Collection method: clinical testing. Allele origin: germline. Inheritance: Autosomal recessive inheritance. Affected: yes.
Comment: The c.2441-6G>A splice region variant in COL7A1 gene has not been reported previously as a pathogenic variant nor as a benign variant, to our knowledge. The c.2441-6G>A variant is novel (not in any individuals) in gnomAD Exomes and 1000 Genomes. In silico splice tools are conflicting in their predictions. For these reasons, this variant has been classified as Variant of Uncertain Significance (VUS).

Natera, Inc.
Classification: Uncertain significance for Dystrophic epidermolysis bullosa. Last evaluated: 2025-02-07. Review status: no assertion criteria provided. Collection method: clinical testing. Allele origin: germline. Not counted in ClinVar's aggregate classification.

Literature cited by the submitters: PubMed 37556444 (cited by Women's Health and Genetics/Laboratory Corporation of America, LabCorp).